The following is an entry in ClinVar:

NM_000061.3(BTK):c.1262G>A (p.Trp421Ter)

Gene: BTK (Bruton tyrosine kinase; minus strand). Cytogenetic location: Xq22.1.
Variant type: single nucleotide variant.
Coding change: c.1262G>A on transcript NM_000061.3 (MANE Select); coding-DNA position 1262, G replaced by A.
Protein change: p.Trp421Ter; replaces tryptophan 421 with a stop codon.
Molecular consequence: nonsense. On other transcripts: intron variant (1).
Genome position (GRCh38, 1-based): chrX:101,356,871, C>T on the plus strand (G>A on the coding strand, the complement: BTK is on the minus strand). VCF-style: chrX-101356871-C-T. GRCh37 (hg19) VCF-style: chrX-100611859-C-T.
Other names: c.1364G>A, p.Trp455Ter (NM_001287344.2); c.1038+1503G>A (NM_001287345.2); short protein forms W421*, W455*.
Identifiers: ClinVar variation 659167 (VCV000659167.9), dbSNP rs1603005139, ClinGen allele CA413925190.

ClinVar aggregate classification (germline): Pathogenic (1 of 4 stars; one submission).

Conditions:
X-linked agammaglobulinemia with growth hormone deficiency (IGHD3). Also called: ISOLATED GROWTH HORMONE DEFICIENCY, TYPE III, WITH AGAMMAGLOBULINEMIA; FLEISHER SYNDROME; HYPOGAMMAGLOBULINEMIA AND ISOLATED GROWTH HORMONE DEFICIENCY, X-LINKED; IGHD III; Isolated growth hormone deficiency type 3; Growth hormone deficiency with hypogammaglobulinemia. Identifiers: Orphanet 231692, Orphanet 631, MedGen C0472813, MONDO:0010615, OMIM 307200.

Submission:

Labcorp Genetics (formerly Invitae), Labcorp
Classification: Pathogenic for X-linked agammaglobulinemia with growth hormone deficiency. Last evaluated: 2018-09-19. Review status: criteria provided, single submitter. Criteria: Invitae Variant Classification Sherloc (09022015). Collection method: clinical testing. Allele origin: germline.
Comment: For these reasons, this variant has been classified as Pathogenic. Loss-of-function variants in BTK are known to be pathogenic (PMID: 15661032, 16862044, 19419768). A different variant (c.1263G>A) giving rise to the same protein effect observed here (p.Trp421*) has been observed in an individual affected with X-linked agammaglobulinemia (PMID: 9445504). This variant has not been reported in the literature in individuals with BTK-related disease. This variant is not present in population databases (ExAC no frequency). This sequence change creates a premature translational stop signal (p.Trp421*) in the BTK gene. It is expected to result in an absent or disrupted protein product.

Literature cited by the submitters: PubMed 15661032; PubMed 16862044; PubMed 19419768; PubMed 9445504.